The following is an entry in ClinVar:

ClinVar aggregate classification (germline): Likely pathogenic (1 of 4 stars; one submission).

Conditions:
Sotos syndrome (SOTOS). Also called: CHROMOSOME 5q35 DELETION SYNDROME; SOTOS SYNDROME 1; CEREBRAL GIGANTISM; Sotos' syndrome; Distinctive facial appearance, overgrowth in childhood, and learning disabilities or delayed development. Identifiers: Orphanet 821, MedGen C0175695, MONDO:0019349, OMIM 117550.

Submission:

Human Genetics Section, Sidra Medicine
Classification: Likely pathogenic for Sotos syndrome. Last evaluated: 2024-02-28. Review status: criteria provided, single submitter. Criteria: ACMG Guidelines, 2015. Collection method: research. Allele origin: de novo. Affected: yes. Observed: 1 variant allele.
Comment: Frameshift variant predicted to result in protein truncation or nonsense mediated decay in a gene for which loss-of-function is a known mechanism of disease. Loss of function in NSD1 is a known mechanism of disease and is associated with Sotos syndrome (MIM#117550). This variant is not present in population databases (gnomAD no frequency). For these reasons, this variant has been classified as likely pathogenic

NM_022455.5(NSD1):c.4014del (p.Glu1340fs)

Gene: NSD1 (nuclear receptor binding SET domain protein 1; plus strand). Cytogenetic location: 5q35.3.
Variant type: Deletion.
Coding change: c.4014del on transcript NM_022455.5 (MANE Select); coding-DNA position 4014, one base deleted (C; older notation c.4014delC).
Protein change: p.Glu1340fs; shifts the reading frame from glutamic acid 1340.
Molecular consequence: frameshift variant.
Genome position (GRCh38, 1-based): chr5:177,238,329, C deleted; the last of 2 consecutive C bases (chr5:177,238,328-177,238,329); deleting either gives the same sequence. VCF-style (leftmost placement, unchanged base first): chr5-177238327-AC-A. GRCh37 (hg19) VCF-style: chr5-176665328-AC-A.
Other names: c.3141del, p.Glu1049fs (NM_001365684.2, NM_001409306.1, NM_001409307.1 and 3 more transcripts); c.4014del, p.Glu1340fs (NM_001409301.1, NM_001409302.1, NM_001409303.1); c.3594del, p.Glu1200fs (NM_001409304.1); c.3261del, p.Glu1089fs (NM_001409305.1); c.4014delC (NM_022455.5); short protein forms E1049fs, E1089fs, E1200fs, E1340fs.
Identifiers: ClinVar variation 3028900 (VCV003028900.2), dbSNP rs2480590542, ClinGen allele CA2740094186.